The following is an entry in ClinVar:

NM_015726.4(DCAF8):c.642C>T (p.Asp214=)

Gene: DCAF8 (DDB1 and CUL4 associated factor 8; minus strand). Cytogenetic location: 1q23.2.
Variant type: single nucleotide variant.
Coding change: c.642C>T on transcript NM_015726.4 (MANE Select); coding-DNA position 642, C replaced by T.
Protein change: p.Asp214=; no amino-acid change (aspartic acid 214 retained).
Molecular consequence: synonymous variant. On other transcripts: non-coding transcript variant (4).
Genome position (GRCh38, 1-based): chr1:160,239,778, G>A on the plus strand (C>T on the coding strand, the complement: DCAF8 is on the minus strand). VCF-style: chr1-160239778-G-A. GRCh37 (hg19) VCF-style: chr1-160209568-G-A.
Identifiers: ClinVar variation 739167 (VCV000739167.6), dbSNP rs144158120, ClinGen allele CA1196922.

ClinVar aggregate classification (germline): Likely benign. Review status: criteria provided, multiple submitters, no conflicts (2 of 4 stars). 3 submissions from 3 submitters: Likely benign (2). 1 of the submissions does not count toward it. Last evaluated 2018-01-02.

Conditions:
DCAF8-related disorder. Also called: DCAF8-related condition.

Allele frequency attached by ClinVar (database versions not stated): gnomAD exomes 0.00005 and 0.00013; ExAC 0.00018; TOPMed 0.00052; gnomAD 0.00053 and 0.00054; ESP Exome Variant Server 0.00062; 1000 Genomes Project 0.00140; 1000 Genomes Project 30x 0.00172.
gnomAD v4.1: 156 of 1,614,156 alleles (0.0097%); highest among the groups gnomAD compares: African/African-American, 0.19%; no homozygotes.

Submissions (3):

Labcorp Genetics (formerly Invitae), Labcorp
Classification: Likely benign. Last evaluated: 2018-01-02. Review status: criteria provided, single submitter. Criteria: Invitae Variant Classification Sherloc (09022015). Collection method: clinical testing. Allele origin: germline.

Breakthrough Genomics
Classification: Likely benign. Review status: criteria provided, single submitter. Criteria: ACMG Guidelines, 2015. Collection method: not provided. Allele origin: germline. Inheritance: Autosomal dominant inheritance. Affected: yes.

PreventionGenetics, part of Exact Sciences
Classification: Likely benign for DCAF8-related condition. Last evaluated: 2019-02-18. Review status: no assertion criteria provided. Collection method: clinical testing. Allele origin: germline. Not counted in ClinVar's aggregate classification.
Comment: This variant is classified as likely benign based on ACMG/AMP sequence variant interpretation guidelines (Richards et al. 2015 PMID: 25741868, with internal and published modifications).